The following is an entry in ClinVar:

ClinVar aggregate classification (germline): Uncertain significance. Review status: criteria provided, multiple submitters, no conflicts (2 of 4 stars). 3 submissions from 3 submitters: Uncertain significance (3). Last evaluated 2026-06-18.

Conditions:
DICER1-related disorder. Also called: DICER1-related condition.
DICER1-related tumor predisposition. Also called: DICER1 syndrome; DICER1-related pleuropulmonary blastoma cancer predisposition syndrome. Identifiers: Orphanet 284343, MedGen C3839822, MONDO:0100216.
Hereditary cancer-predisposing syndrome. Also called: Neoplastic Syndromes, Hereditary; Tumor predisposition; Hereditary Cancer Syndrome; Hereditary neoplastic syndrome. Identifiers: Orphanet 140162, MedGen C0027672, MeSH D009386, MONDO:0015356.

Allele frequency attached by ClinVar (database versions not stated): ExAC 0.00001; gnomAD 0.00001; gnomAD exomes 0.00001; TOPMed 0.00001.
gnomAD v4.1: 15 of 1,613,760 alleles (0.00093%); highest among the groups gnomAD compares: East Asian, 0.0022%; no homozygotes.

Submissions (3):

PreventionGenetics, part of Exact Sciences
Classification: Uncertain significance for DICER1-related condition. Last evaluated: 2026-06-18. Review status: criteria provided, single submitter. Criteria: ACMG Guidelines, 2015. Collection method: clinical testing. Allele origin: germline.
Comment: The DICER1 c.4073G>A variant is predicted to result in the amino acid substitution p.Arg1358His. To our knowledge, this variant has not been reported in the literature. This variant is reported in 0.0018% of alleles in individuals of European (Non-Finnish) descent in gnomAD and is classified as uncertain in ClinVar (Variation ID: 412145). At this time, the clinical significance of this variant is uncertain due to the absence of conclusive functional and genetic evidence.

Labcorp Genetics (formerly Invitae), Labcorp
Classification: Uncertain significance for DICER1-related tumor predisposition. Last evaluated: 2025-12-17. Review status: criteria provided, single submitter. Criteria: Invitae Variant Classification Sherloc (09022015). Collection method: clinical testing. Allele origin: germline.
Comment: This sequence change replaces arginine, which is basic and polar, with histidine, which is basic and polar, at codon 1358 of the DICER1 protein (p.Arg1358His). This variant is present in population databases (rs780488568, gnomAD 0.002%). This variant has not been reported in the literature in individuals affected with DICER1-related conditions. ClinVar contains an entry for this variant (Variation ID: 412145). Invitae Evidence Modeling of protein sequence and biophysical properties (such as structural, functional, and spatial information, amino acid conservation, physicochemical variation, residue mobility, and thermodynamic stability) has been performed for this missense variant. However, the output from this modeling did not meet the statistical confidence thresholds required to predict the impact of this variant on DICER1 protein function. In summary, the available evidence is currently insufficient to determine the role of this variant in disease. Therefore, it has been classified as a Variant of Uncertain Significance.

Ambry Genetics
Classification: Uncertain significance for Hereditary cancer-predisposing syndrome. Last evaluated: 2025-04-11. Review status: criteria provided, single submitter. Criteria: Ambry Variant Classification Scheme 2023. Collection method: clinical testing. Allele origin: germline.

NM_177438.3(DICER1):c.4073G>A (p.Arg1358His)

Gene: DICER1 (dicer 1, ribonuclease III; minus strand). Cytogenetic location: 14q32.13.
Variant type: single nucleotide variant.
Coding change: c.4073G>A on transcript NM_177438.3 (MANE Select); coding-DNA position 4073, G replaced by A.
Protein change: p.Arg1358His; replaces arginine 1358 with histidine.
Molecular consequence: missense variant.
Genome position (GRCh38, 1-based): chr14:95,099,913, C>T on the plus strand (G>A on the coding strand, the complement: DICER1 is on the minus strand). VCF-style: chr14-95099913-C-T. GRCh37 (hg19) VCF-style: chr14-95566250-C-T.
Other names: c.4073G>A, p.Arg1358His (NM_001195573.1, NM_001271282.3, NM_001291628.2 and 1 more transcripts); short protein forms R1358H.
Identifiers: ClinVar variation 412145 (VCV000412145.20), dbSNP rs780488568, ClinGen allele CA7330943.